The following is an entry in ClinVar:

NM_001042492.3(NF1):c.4396G>C (p.Asp1466His)

Gene: NF1 (neurofibromin 1; plus strand). Cytogenetic location: 17q11.2.
Variant type: single nucleotide variant.
Coding change: c.4396G>C on transcript NM_001042492.3 (MANE Select); coding-DNA position 4396, G replaced by C.
Protein change: p.Asp1466His; replaces aspartic acid 1466 with histidine.
Molecular consequence: missense variant.
Genome position (GRCh38, 1-based): chr17:31,259,095, G>C. VCF-style: chr17-31259095-G-C. GRCh37 (hg19) VCF-style: chr17-29586113-G-C.
Other names: c.4333G>C, p.Asp1445His (NM_000267.4); short protein forms D1445H, D1466H.
Identifiers: ClinVar variation 4119158 (VCV004119158.1).

ClinVar aggregate classification (germline): Uncertain significance (1 of 4 stars; one submission).

Conditions:
Cardiovascular phenotype. Identifiers: MedGen CN230736.
Hereditary cancer-predisposing syndrome. Also called: Hereditary neoplastic syndrome; Neoplastic Syndromes, Hereditary; Tumor predisposition; Hereditary Cancer Syndrome. Identifiers: Orphanet 140162, MedGen C0027672, MeSH D009386, MONDO:0015356.

Submission:

Ambry Genetics
Classification: Uncertain significance for Cardiovascular phenotype; Hereditary cancer-predisposing syndrome. Last evaluated: 2025-08-22. Review status: criteria provided, single submitter. Criteria: Ambry Variant Classification Scheme 2023. Collection method: clinical testing. Allele origin: germline.
Comment: The p.D1445H variant (also known as c.4333G>C), located in coding exon 32 of the NF1 gene, results from a G to C substitution at nucleotide position 4333. The aspartic acid at codon 1445 is replaced by histidine, an amino acid with similar properties. This amino acid position is conserved. In addition, this alteration is predicted to be deleterious by in silico analysis. Based on the available evidence, the clinical significance of this variant remains unclear.